The following is an entry in ClinVar:

ClinVar aggregate classification (germline): Uncertain significance. Review status: criteria provided, multiple submitters, no conflicts (2 of 4 stars). 2 submissions from 2 submitters: Uncertain significance (2). Last evaluated 2022-08-10.

Conditions:
Usher syndrome type 1 (USH1). Also called: RETINITIS PIGMENTOSA AND CONGENITAL DEAFNESS. Identifiers: Orphanet 231169, Orphanet 886, MedGen C1568247, MONDO:0010168, OMIM 276900.

gnomAD v4.1: 26 of 1,613,962 alleles (0.0016%); highest among the groups gnomAD compares: South Asian, 0.014%; no homozygotes.

Submissions (2):

Labcorp Genetics (formerly Invitae), Labcorp
Classification: Uncertain significance. Last evaluated: 2022-08-10. Review status: criteria provided, single submitter. Criteria: Invitae Variant Classification Sherloc (09022015). Collection method: clinical testing. Allele origin: germline.
Comment: This sequence change replaces glycine, which is neutral and non-polar, with serine, which is neutral and polar, at codon 1046 of the CDH23 protein (p.Gly1046Ser). This variant is present in population databases (no rsID available, gnomAD 0.01%). This variant has not been reported in the literature in individuals affected with CDH23-related conditions. Algorithms developed to predict the effect of missense changes on protein structure and function are either unavailable or do not agree on the potential impact of this missense change (SIFT: "Deleterious"; PolyPhen-2: "Not Available"; Align-GVGD: "Class C55"). Algorithms developed to predict the effect of sequence changes on RNA splicing suggest that this variant may create or strengthen a splice site. In summary, the available evidence is currently insufficient to determine the role of this variant in disease. Therefore, it has been classified as a Variant of Uncertain Significance.

Department of Pathology and Laboratory Medicine, Sinai Health System
Classification: Uncertain significance for Usher syndrome type 1. Last evaluated: 2020-05-15. Review status: criteria provided, single submitter. Criteria: ACMG Guidelines, 2015. Collection method: research. Allele origin: germline.

NM_022124.6(CDH23):c.3136G>A (p.Gly1046Ser)

Gene: CDH23 (cadherin related 23; plus strand). Cytogenetic location: 10q22.1.
Variant type: single nucleotide variant.
Coding change: c.3136G>A on transcript NM_022124.6 (MANE Select); coding-DNA position 3136, G replaced by A.
Protein change: p.Gly1046Ser; replaces glycine 1046 with serine.
Molecular consequence: missense variant.
Genome position (GRCh38, 1-based): chr10:71,709,127, G>A. VCF-style: chr10-71709127-G-A. GRCh37 (hg19) VCF-style: chr10-73468884-G-A.
Other names: c.3136G>A, p.Gly1046Ser (NM_001171930.2); short protein forms G1046S.
Identifiers: ClinVar variation 2189832 (VCV002189832.2), dbSNP rs765847681, ClinGen allele CA377143110.